The following is an entry in ClinVar:

ClinVar aggregate classification (germline): Uncertain significance (1 of 4 stars; one submission).

Conditions:
DNA ligase IV deficiency. Identifiers: Orphanet 99812, MedGen C1847827, MONDO:0011686, OMIM 606593.

Submission:

Labcorp Genetics (formerly Invitae), Labcorp
Classification: Uncertain significance for DNA ligase IV deficiency. Last evaluated: 2022-08-22. Review status: criteria provided, single submitter. Criteria: Invitae Variant Classification Sherloc (09022015). Collection method: clinical testing. Allele origin: germline.
Comment: This variant has not been reported in the literature in individuals affected with LIG4-related conditions. In summary, the available evidence is currently insufficient to determine the role of this variant in disease. Therefore, it has been classified as a Variant of Uncertain Significance. Algorithms developed to predict the effect of sequence changes on RNA splicing suggest that this variant may disrupt the consensus splice site. Algorithms developed to predict the effect of missense changes on protein structure and function (SIFT, PolyPhen-2, Align-GVGD) all suggest that this variant is likely to be tolerated. This variant is not present in population databases (gnomAD no frequency). This sequence change replaces threonine, which is neutral and polar, with isoleucine, which is neutral and non-polar, at codon 22 of the LIG4 protein (p.Thr22Ile).

NM_206937.2(LIG4):c.65C>T (p.Thr22Ile)

Gene: LIG4 (DNA ligase 4; minus strand). Cytogenetic location: 13q33.3.
Variant type: single nucleotide variant.
Coding change: c.65C>T on transcript NM_206937.2 (MANE Select); coding-DNA position 65, C replaced by T.
Protein change: p.Thr22Ile; replaces threonine 22 with isoleucine.
Molecular consequence: missense variant. On other transcripts: 5 prime UTR variant (1).
Genome position (GRCh38, 1-based): chr13:108,211,204, G>A on the plus strand (C>T on the coding strand, the complement: LIG4 is on the minus strand). VCF-style: chr13-108211204-G-A. GRCh37 (hg19) VCF-style: chr13-108863552-G-A.
Other names: c.65C>T, p.Thr22Ile (NM_001098268.2, NM_001352598.2, NM_001352599.2 and 6 more transcripts); c.-137C>T (NM_001330595.2); c.101C>T, p.Thr34Ile (NM_001352604.2); short protein forms T34I, T22I.
Identifiers: ClinVar variation 2011488 (VCV002011488.4), dbSNP rs2501630799, ClinGen allele CA388624736.